The following is an entry in ClinVar:

NM_004336.5(BUB1):c.2478C>T (p.Ala826=)

Gene: BUB1 (BUB1 mitotic checkpoint serine/threonine kinase; minus strand). Cytogenetic location: 2q13.
Variant type: single nucleotide variant.
Coding change: c.2478C>T on transcript NM_004336.5 (MANE Select); coding-DNA position 2478, C replaced by T.
Protein change: p.Ala826=; no amino-acid change (alanine 826 retained).
Molecular consequence: synonymous variant.
Genome position (GRCh38, 1-based): chr2:110,641,789, G>A on the plus strand (C>T on the coding strand, the complement: BUB1 is on the minus strand). VCF-style: chr2-110641789-G-A. GRCh37 (hg19) VCF-style: chr2-111399366-G-A.
Other names: c.2418C>T, p.Ala806= (NM_001278616.2); c.2478C>T, p.Ala826= (NM_001278617.2).
Identifiers: ClinVar variation 779305 (VCV000779305.34), dbSNP rs55731145, ClinGen allele CA1827768.
Genomic context (GRCh38, chr2:110,641,789, plus strand): 5'-CTGCATAGATGGCTTTAGTCTTTCCATCAACTGGGTCCCAATGTAGAATTCCCAGGGGTT[G>A]GCAGGCTTTTGGACCTGCAAATCAGGTATGTGAAATTCATATCCAATCTCGTATTCTGAA-3'
Protein context (NP_004327.1, residues 816-836): QKFVLKVQKP[Ala826=]NPWEFYIGTQ

ClinVar aggregate classification (germline): Benign/Likely benign. Review status: criteria provided, multiple submitters, no conflicts (2 of 4 stars). 4 submissions from 4 submitters: Benign (3); Likely benign (1). Last evaluated 2026-08-01.

Allele frequency attached by ClinVar (database versions not stated): 1000 Genomes Project 0.00100; 1000 Genomes Project 30x 0.00109; TOPMed 0.00110; gnomAD 0.00111 and 0.00139; gnomAD exomes 0.00162 and 0.00243; ESP Exome Variant Server 0.00177; ExAC 0.00255.
gnomAD v4.1: 2,562 of 1,605,272 alleles (0.16%); highest among the groups gnomAD compares: South Asian, 1%; 22 homozygotes.

Submissions (4):

CeGaT Center for Human Genetics Tuebingen
Classification: Benign. Last evaluated: 2026-08-01. Review status: criteria provided, single submitter. Criteria: CeGaT Center For Human Genetics Tuebingen Variant Classification Criteria Version 2. Collection method: clinical testing. Allele origin: germline. Affected: yes. Observed: 7 variant alleles.
Comment: BUB1: BP4, BP7, BS1, BS2

Labcorp Genetics (formerly Invitae), Labcorp
Classification: Benign. Last evaluated: 2026-01-28. Review status: criteria provided, single submitter. Criteria: Invitae Variant Classification Sherloc (09022015). Collection method: clinical testing. Allele origin: germline.

Ambry Genetics
Classification: Likely benign. Last evaluated: 2022-02-12. Review status: criteria provided, single submitter. Criteria: Ambry Variant Classification Scheme 2023. Collection method: clinical testing. Allele origin: germline.

Breakthrough Genomics
Classification: Benign. Review status: criteria provided, single submitter. Criteria: ACMG Guidelines, 2015. Collection method: not provided. Allele origin: germline. Inheritance: Autosomal dominant inheritance. Affected: yes.